The following is an entry in ClinVar:

ClinVar aggregate classification (germline): Uncertain significance (1 of 4 stars; one submission).

Submission:

GeneDx
Classification: Uncertain significance. Last evaluated: 2022-12-14. Review status: criteria provided, single submitter. Criteria: GeneDx Variant Classification Process June 2021. Collection method: clinical testing. Allele origin: germline. Affected: yes.
Comment: Not observed at significant frequency in large population cohorts (gnomAD); In-frame deletion of 1 amino acids in a non-repeat region; In silico analysis supports a deleterious effect on protein structure/function; Has not been previously published as pathogenic or benign to our knowledge

NM_000944.5(PPP3CA):c.1550GCA[1] (p.Ser518del)

Gene: PPP3CA (protein phosphatase 3 catalytic subunit alpha; minus strand). Cytogenetic location: 4q24.
Variant type: Microsatellite.
Coding change: c.1550GCA[1] on transcript NM_000944.5 (MANE Select); one copy of the 3-base unit GCA starting at c.1550; the reference has two copies in a row; one copy, 3 bases deleted.
Protein change: p.Ser518del; deletes serine 518.
Molecular consequence: inframe deletion.
Genome position (GRCh38, 1-based): chr4:101,025,876-101,025,878, TGC deleted on the plus strand (GCA on the coding strand, the reverse complement: PPP3CA is on the minus strand); deleting any 3 consecutive bases within chr4:101,025,876-101,025,882 gives the same sequence; the position shown is the placement nearest the transcript's 3' end. VCF-style (leftmost placement, unchanged base first): chr4-101025875-TTGC-T. GRCh37 (hg19) VCF-style: chr4-101947032-TTGC-T.
Other names: c.1520GCA[1], p.Ser508del (NM_001130691.2); c.1394GCA[1], p.Ser466del (NM_001130692.2); short protein forms S466del, S508del, S518del.
Identifiers: ClinVar variation 2505852 (VCV002505852.1), dbSNP rs2476197000, ClinGen allele CA2580616124.